The following is an entry in ClinVar:

ClinVar aggregate classification (germline): Pathogenic (1 of 4 stars; one submission).

Conditions:
Multiple sulfatase deficiency (MSD). Also called: Mucosulfatidosis; Multiple Sulfatase Deficiency Disease; Sulfatidosis, Juvenile, Austin Type. Identifiers: Orphanet 585, MedGen C0268263, MONDO:0010088, OMIM 272200.

Submission:

Myriad Genetics, Inc.
Classification: Pathogenic for Multiple sulfatase deficiency. Last evaluated: 2024-03-26. Review status: criteria provided, single submitter. Criteria: Myriad Autosomal Dominant, Autosomal Recessive and X-Linked Classification Criteria (2023). Collection method: clinical testing. Allele origin: unknown.
Comment: NM_182760.3(SUMF1):c.785delA(Q262Rfs*6) is expected to be pathogenic in the context of multiple sulfatase deficiency. This variant is predicted to lead to an abnormal or absent protein product due to the creation of a premature termination codon in SUMF1, a gene where loss-of-function variants are known to be pathogenic. Please note: this variant was assessed in the context of healthy population screening.

NM_182760.4(SUMF1):c.785del (p.Gln262fs)

Gene: SUMF1 (sulfatase modifying factor 1; minus strand). Cytogenetic location: 3p26.1.
Variant type: Deletion.
Coding change: c.785del on transcript NM_182760.4 (MANE Select); coding-DNA position 785, one base deleted (A; older notation c.785delA).
Protein change: p.Gln262fs; shifts the reading frame from glutamine 262.
Molecular consequence: frameshift variant.
Genome position (GRCh38, 1-based): chr3:4,417,183, T deleted on the plus strand (A on the coding strand, the reverse complement: SUMF1 is on the minus strand). VCF-style (leftmost placement, unchanged base first): chr3-4417182-CT-C. GRCh37 (hg19) VCF-style: chr3-4458866-CT-C.
Other names: c.710del, p.Gln237fs (NM_001164674.2); c.785del, p.Gln262fs (NM_001164675.2); short protein forms Q237fs, Q262fs.
Identifiers: ClinVar variation 5012865 (VCV005012865.1).